The following is an entry in ClinVar:

NM_002834.5(PTPN11):c.1696A>G (p.Thr566Ala)

Gene: PTPN11 (protein tyrosine phosphatase non-receptor type 11; plus strand). Cytogenetic location: 12q24.13.
Variant type: single nucleotide variant.
Coding change: c.1696A>G on transcript NM_002834.5 (MANE Select); coding-DNA position 1696, A replaced by G.
Protein change: p.Thr566Ala; replaces threonine 566 with alanine.
Molecular consequence: missense variant.
Genome position (GRCh38, 1-based): chr12:112,502,240, A>G. VCF-style: chr12-112502240-A-G. GRCh37 (hg19) VCF-style: chr12-112940044-A-G.
Other names: c.1708A>G, p.Thr570Ala (NM_001330437.2); c.1693A>G, p.Thr565Ala (NM_001374625.1); c.1696A>G (NM_002834.3); short protein forms T565A, T566A, T570A.
Identifiers: ClinVar variation 1017240 (VCV001017240.7), dbSNP rs746712068, ClinGen allele CA6798837.

ClinVar aggregate classification (germline): Conflicting classifications of pathogenicity. Review status: criteria provided, conflicting classifications (1 of 4 stars). 2 submissions from 2 submitters: Uncertain significance (1); Likely benign (1). Last evaluated 2024-09-05.

Conditions:
RASopathy. Also called: rasopathies; Noonan spectrum disorder. Identifiers: Orphanet 536391, MedGen C5555857, MONDO:0021060.
Cardiovascular phenotype. Identifiers: MedGen CN230736.

gnomAD v4.1: 10 of 1,612,974 alleles (0.00062%); highest among the groups gnomAD compares: African/African-American, 0.004%; no homozygotes.

Submissions (2):

Labcorp Genetics (formerly Invitae), Labcorp
Classification: Uncertain significance for RASopathy. Last evaluated: 2024-09-05. Review status: criteria provided, single submitter. Criteria: Invitae Variant Classification Sherloc (09022015). Collection method: clinical testing. Allele origin: germline.
Comment: This sequence change replaces threonine, which is neutral and polar, with alanine, which is neutral and non-polar, at codon 566 of the PTPN11 protein (p.Thr566Ala). This variant is present in population databases (rs746712068, gnomAD 0.006%). This variant has not been reported in the literature in individuals affected with PTPN11-related conditions. ClinVar contains an entry for this variant (Variation ID: 1017240). Invitae Evidence Modeling of protein sequence and biophysical properties (such as structural, functional, and spatial information, amino acid conservation, physicochemical variation, residue mobility, and thermodynamic stability) indicates that this missense variant is not expected to disrupt PTPN11 protein function with a negative predictive value of 95%. In summary, the available evidence is currently insufficient to determine the role of this variant in disease. Therefore, it has been classified as a Variant of Uncertain Significance.

Ambry Genetics
Classification: Likely benign for Cardiovascular phenotype. Last evaluated: 2024-08-29. Review status: criteria provided, single submitter. Criteria: Ambry Variant Classification Scheme 2023. Collection method: clinical testing. Allele origin: germline.